The following is an entry in ClinVar:

ClinVar aggregate classification (germline): Pathogenic. Review status: criteria provided, multiple submitters, no conflicts (2 of 4 stars). 2 submissions from 2 submitters: Pathogenic (2). Last evaluated 2023-12-20.

Conditions:
Inborn genetic diseases. Identifiers: MedGen C0950123, MeSH D030342.
COG5-congenital disorder of glycosylation. Also called: CONGENITAL DISORDER OF GLYCOSYLATION, TYPE IIi; COG5-CDG; CDG IIi. Identifiers: Orphanet 263487, MedGen C3150876, MONDO:0013325, OMIM 613612.

Submissions (2):

Ambry Genetics
Classification: Pathogenic for Inborn genetic diseases. Last evaluated: 2023-12-20. Review status: criteria provided, single submitter. Criteria: Ambry Variant Classification Scheme 2023. Collection method: clinical testing. Allele origin: germline.
Comment: The c.704_706delCCCinsTAGTGGAATT (p.A235Vfs*6) alteration, located in exon 7 (coding exon 7) of the COG5 gene, consists of an deletion of 3 and insertion of 10 nucleotides causing a translational frameshift at position 704 with a predicted alternate stop codon after 6 amino acids. This alteration is expected to result in loss of function by premature protein truncation or nonsense-mediated mRNA decay. Based on data from gnomAD, the TAGTGGAATT allele has an overall frequency of 0.001% (2/250944) total alleles studied. The highest observed frequency was 0.003% (1/34576) of Latino alleles. This alteration was detected in conjunction with another alteration in COG5 in one individual with clinical features consistent with COG5-congenital disorder of glycosylation (Mostile, 2019). Based on the available evidence, this alteration is classified as pathogenic.

Labcorp Genetics (formerly Invitae), Labcorp
Classification: Pathogenic for COG5-congenital disorder of glycosylation. Last evaluated: 2023-12-08. Review status: criteria provided, single submitter. Criteria: Invitae Variant Classification Sherloc (09022015). Collection method: clinical testing. Allele origin: germline.
Comment: This sequence change creates a premature translational stop signal (p.Ala235Valfs*6) in the COG5 gene. It is expected to result in an absent or disrupted protein product. Loss-of-function variants in COG5 are known to be pathogenic (PMID: 23228021). Information on the frequency of this variant in the gnomAD database is not available, as this variant may be reported differently in the database. This variant has not been reported in the literature in individuals affected with COG5-related conditions. For these reasons, this variant has been classified as Pathogenic.

Literature cited by the submitters: PubMed 31132195 (cited by Ambry Genetics); PubMed 23228021 (cited by Labcorp Genetics (formerly Invitae), Labcorp).

NM_006348.5(COG5):c.611_613delinsTAGTGGAATT (p.Ala204fs)

Gene: COG5 (component of oligomeric golgi complex 5; minus strand). Cytogenetic location: 7q22.3.
Variant type: Indel.
Coding change: c.611_613delinsTAGTGGAATT on transcript NM_006348.5 (MANE Select); coding-DNA positions 611 to 613, CCC replaced by TAGTGGAATT.
Protein change: p.Ala204fs; shifts the reading frame from alanine 204.
Molecular consequence: frameshift variant. On other transcripts: intron variant (2).
Genome position (GRCh38, 1-based): chr7:107,412,558-107,412,560, GGG replaced by AATTCCACTA on the plus strand (CCC replaced by TAGTGGAATT on the coding strand, the reverse complement: COG5 is on the minus strand). VCF-style: chr7-107412558-GGG-AATTCCACTA. GRCh37 (hg19) VCF-style: chr7-107053003-GGG-AATTCCACTA.
Other names: c.611_613delinsTAGTGGAATT, p.Ala204fs (NM_001161520.2, NM_001379511.1, NM_001379512.1 and 3 more transcripts); c.235-50450_235-50448delinsTAGTGGAATT (NM_001379516.1); c.539-114214_539-114212delinsTAGTGGAATT (NM_001379515.1); short protein forms A204fs.
Identifiers: ClinVar variation 631992 (VCV000631992.9), dbSNP rs1563018529, ClinGen allele CA913190041.